The following is an entry in ClinVar:

ClinVar aggregate classification (germline): Benign (0 of 4 stars; one submission).

Conditions:
FKBP6-related disorder. Also called: FKBP6-related condition.

Allele frequency attached by ClinVar (database versions not stated): gnomAD exomes 0.00051; ExAC 0.00162; 1000 Genomes Project 0.00459; gnomAD 0.00526; 1000 Genomes Project 30x 0.00531; TOPMed 0.00596; ESP Exome Variant Server 0.00638.
gnomAD v4.1: 1,565 of 1,607,044 alleles (0.097%); highest among the groups gnomAD compares: African/African-American, 1.9%; 23 homozygotes.

Submission:

PreventionGenetics, part of Exact Sciences
Classification: Benign for FKBP6-related condition. Last evaluated: 2019-06-07. Review status: no assertion criteria provided. Collection method: clinical testing. Allele origin: germline.
Comment: This variant is classified as benign based on ACMG/AMP sequence variant interpretation guidelines (Richards et al. 2015 PMID: 25741868, with internal and published modifications).

NM_003602.5(FKBP6):c.894-4C>G

Gene: FKBP6 (FKBP prolyl isomerase family member 6 (inactive); plus strand). Cytogenetic location: 7q11.23.
Variant type: single nucleotide variant.
Coding change: c.894-4C>G on transcript NM_003602.5 (MANE Select); 4 bases into the intron before coding-DNA position 894, C replaced by G.
Molecular consequence: intron variant.
Genome position (GRCh38, 1-based): chr7:73,342,803, C>G. VCF-style: chr7-73342803-C-G. GRCh37 (hg19) VCF-style: chr7-72756803-C-G.
Other names: c.804-4C>G (NM_001281304.2); c.879-4C>G (NM_001135211.3); c.759-4C>G (NM_001362789.2).
Identifiers: ClinVar variation 3043685 (VCV003043685.2), dbSNP rs11977895, ClinGen allele CA4286828.
Genomic context (GRCh38, chr7:73,342,803, plus strand): 5'-GCCACCAGATGTCACCTCCTCCAAACACAGACCTCCTCTAACAAGTGTGTATTTCCCTCT[C>G]CAGCTGTTACAGGGACTATGTGGATAAAGAGAAAGAAATGTGGCACCGCATGTTCGCGCC-3'